The following is an entry in ClinVar:

ClinVar aggregate classification (germline): Benign/Likely benign. Review status: criteria provided, multiple submitters, no conflicts (2 of 4 stars). 21 submissions from 21 submitters: Benign (12); Likely benign (3). 6 of the submissions do not count toward it. Last evaluated 2026-09-08.

Conditions:
Cardiomyopathy (CMYO). Also called: Cardiomyopathies. Identifiers: Orphanet 167848, MedGen C0878544, MONDO:0004994, HP:0001638. Inheritance: Various modes of inheritance.
Fabry disease. Also called: Fabry's disease; ALPHA-GALACTOSIDASE A DEFICIENCY; ANDERSON-FABRY DISEASE; CERAMIDE TRIHEXOSIDASE DEFICIENCY; Angiokeratoma corporis diffusum; Ceramide trihexosidosis. Identifiers: Orphanet 324, MedGen C0002986, MONDO:0010526, OMIM 301500, HP:0001071. Disease mechanism: loss of function, Fabry disease is due to inactivating mutations in the X-linked GLA gene resulting in deficiency of the enzyme Alpha Galactosidase-A..

Allele frequency attached by ClinVar (database versions not stated): ESP Exome Variant Server 0.06277; gnomAD 0.06441 and 0.06977; TOPMed 0.06964; gnomAD exomes 0.07341 and 0.09325; ExAC 0.09546; 1000 Genomes Project 30x 0.12154; 1000 Genomes Project 0.12450.
gnomAD v4.1: 88,026 of 1,201,243 alleles (7.3%); highest among the groups gnomAD compares: South Asian, 27%; 2,804 homozygotes.

Submissions (21):

Genomenon, Inc
Classification: Benign for Fabry disease. Last evaluated: 2026-09-08. Review status: criteria provided, single submitter. Criteria: Genomenon Sequence Variant Interpretation Standards - Updated. Collection method: curation. Allele origin: germline. Affected: no.
Comment: GLA c.-10C>T is a variant located in the 5′ untranslated region (5′ UTR). This variant is present at high allele frequency in population databases. We classify GLA c.-10C>T as a benign variant.

Labcorp Genetics (formerly Invitae), Labcorp
Classification: Benign for Fabry disease. Last evaluated: 2026-01-26. Review status: criteria provided, single submitter. Criteria: Invitae Variant Classification Sherloc (09022015). Collection method: clinical testing. Allele origin: germline.

ARUP Laboratories, Molecular Genetics and Genomics, ARUP Laboratories
Classification: Benign. Last evaluated: 2025-07-23. Review status: criteria provided, single submitter. Criteria: ARUP Molecular Germline Variant Investigation Process 2024. Collection method: clinical testing. Allele origin: germline.

Molecular Diagnostic Laboratory for Inherited Cardiovascular Disease, Montreal Heart Institute
Classification: Benign. Last evaluated: 2025-04-09. Review status: criteria provided, single submitter. Criteria: ACMG Guidelines, 2015. Collection method: clinical testing. Allele origin: germline. Affected: no.

Blueprint Genetics
Classification: Likely benign. Last evaluated: 2024-11-28. Review status: criteria provided, single submitter. Criteria: ACMG Guidelines, 2015. Collection method: clinical testing. Allele origin: germline.

Genome-Nilou Lab
Classification: Benign for Fabry disease. Last evaluated: 2021-07-15. Review status: criteria provided, single submitter. Criteria: ACMG Guidelines, 2015. Collection method: clinical testing. Allele origin: germline. Affected: no.

GeneDx
Classification: Likely benign. Last evaluated: 2020-12-14. Review status: criteria provided, single submitter. Criteria: GeneDx Variant Classification Process June 2021. Collection method: clinical testing. Allele origin: germline. Affected: yes.
Comment: This variant is associated with the following publications: (PMID: 21092187, 21896204, 18979223, 26981927, 25281798, 26334996, 25772321, 23677059, 22682330, 21683120, 8411052, 26070511, 29794742, 31996269)

Color Diagnostics, LLC DBA Color Health
Classification: Benign for Fabry disease. Last evaluated: 2018-03-19. Review status: criteria provided, single submitter. Criteria: ACMG Guidelines, 2015. Collection method: clinical testing. Allele origin: germline.

Eurofins Ntd Llc (ga)
Classification: Benign. Last evaluated: 2018-03-06. Review status: criteria provided, single submitter. Criteria: EGL ClinVar v180209 classification definitions. Collection method: clinical testing. Allele origin: germline. Observed: 76 variant alleles, 61 heterozygotes, 5 homozygotes, 10 hemizygotes.

Center for Pediatric Genomic Medicine, Children's Mercy Hospital and Clinics
Classification: Benign. Last evaluated: 2017-06-19. Review status: criteria provided, single submitter. Criteria: ACMG Guidelines, 2015. Collection method: clinical testing. Allele origin: germline.

Illumina Laboratory Services, Illumina
Classification: Benign for Fabry disease. Last evaluated: 2017-04-27. Review status: criteria provided, single submitter. Criteria: ICSL Variant Classification Criteria 13 December 2019. Collection method: clinical testing. Allele origin: germline.
Comment: This variant was observed as part of a predisposition screen in an ostensibly healthy population. A literature search was performed for the gene, cDNA change, and amino acid change (where applicable). No publications were found based on this search. Allele frequency data from public databases was too high to be consistent with this variant causing disease. Therefore, this variant is classified as benign.

Laboratory for Molecular Medicine, Mass General Brigham Personalized Medicine
Classification: Benign. Last evaluated: 2013-01-12. Review status: criteria provided, single submitter. Criteria: LMM Criteria. Collection method: clinical testing. Allele origin: germline. Observed: 306 variant alleles.
Comment: -10C>T in 5'UTR of GLA: This variant is not expected to have clinical significan ce because it has been identified in 6.7% (256/3835) of African American chromos omes from a broad population by the NHLBI Exome Sequencing Project (s.; dbSNP rs2071225). -10C>T in 5'UTR of GLA (rs2071225; all ele frequency = 6.7%, 256/3835) **

Women's Health and Genetics/Laboratory Corporation of America, LabCorp
Classification: Benign for Cardiomyopathy. Last evaluated: 2011-08-18. Review status: criteria provided, single submitter. Criteria: LabCorp Variant Classification Summary - May 2015. Collection method: clinical testing. Allele origin: not applicable. Inheritance: Xlinked NA.
ClinVar note: Converted during submission from benign to Benign.

Breakthrough Genomics
Classification: Likely benign. Review status: criteria provided, single submitter. Criteria: ACMG Guidelines, 2015. Collection method: not provided. Allele origin: germline. Inheritance: X-linked inheritance. Affected: yes.

PreventionGenetics, part of Exact Sciences
Classification: Benign. Review status: criteria provided, single submitter. Criteria: ACMG Guidelines, 2015. Collection method: clinical testing. Allele origin: germline.

Natera, Inc.
Classification: Benign for Fabry disease. Last evaluated: 2020-09-16. Review status: no assertion criteria provided. Collection method: clinical testing. Allele origin: germline. Not counted in ClinVar's aggregate classification.

Mayo Clinic Laboratories, Mayo Clinic
Classification: Benign. Last evaluated: 2015-12-15. Review status: no assertion criteria provided. Collection method: clinical testing. Allele origin: unknown. Not counted in ClinVar's aggregate classification.

Clinical Genetics DNA and cytogenetics Diagnostics Lab, Erasmus MC, Erasmus Medical Center
Classification: Benign. Review status: no assertion criteria provided. Collection method: clinical testing. Allele origin: germline. Affected: yes. Study: VKGL Data-share Consensus. Not counted in ClinVar's aggregate classification.

Clinical Genetics, Academic Medical Center
Classification: Benign. Review status: no assertion criteria provided. Collection method: clinical testing. Allele origin: germline. Affected: yes. Study: VKGL Data-share Consensus. Not counted in ClinVar's aggregate classification.

Genome Diagnostics Laboratory, University Medical Center Utrecht
Classification: Benign. Review status: no assertion criteria provided. Collection method: clinical testing. Allele origin: germline. Affected: yes. Study: VKGL Data-share Consensus. Not counted in ClinVar's aggregate classification.

Joint Genome Diagnostic Labs from Nijmegen and Maastricht, Radboudumc and MUMC+
Classification: Likely benign. Review status: no assertion criteria provided. Collection method: clinical testing. Allele origin: germline. Affected: yes. Study: VKGL Data-share Consensus. Not counted in ClinVar's aggregate classification.

Literature cited by the submitters: PubMed 8411052 (cited by Women's Health and Genetics/Laboratory Corporation of America, LabCorp); PubMed 21092187 (cited by Women's Health and Genetics/Laboratory Corporation of America, LabCorp); PubMed 21683120 (cited by Women's Health and Genetics/Laboratory Corporation of America, LabCorp).

NM_000169.3(GLA):c.-10C>T

Genes: GLA (galactosidase alpha; minus strand), RPL36A-HNRNPH2 (RPL36A-HNRNPH2 readthrough; plus strand). Cytogenetic location: Xq22.1.
Variant type: single nucleotide variant.
Coding change: c.-10C>T on transcript NM_000169.3 (MANE Select); 10 bases upstream of the start codon, C replaced by T.
Molecular consequence: 5 prime UTR variant. On other transcripts: non-coding transcript variant (3), intron variant (2).
Genome position (GRCh38, 1-based): chrX:101,407,913, G>A on the plus strand (C>T on the coding strand, the complement: GLA is on the minus strand). VCF-style: chrX-101407913-G-A. GRCh37 (hg19) VCF-style: chrX-100662901-G-A.
Other names: c.-10C>T (NM_001406747.1, NM_001406748.1, NM_001406749.1); c.301-4023G>A (NM_001199973.2); c.178-4023G>A (NM_001199974.2).
Identifiers: ClinVar variation 36280 (VCV000036280.51), dbSNP rs2071225, ClinGen allele CA021392.